The following is an entry in ClinVar:

NM_005476.7(GNE):c.529C>T (p.Arg177Cys)

Gene: GNE (glucosamine (UDP-N-acetyl)-2-epimerase/N-acetylmannosamine kinase; minus strand). Cytogenetic location: 9p13.3.
Variant type: single nucleotide variant.
Coding change: c.529C>T on transcript NM_005476.7 (MANE Select); coding-DNA position 529, C replaced by T.
Protein change: p.Arg177Cys; replaces arginine 177 with cysteine.
Molecular consequence: missense variant.
Genome position (GRCh38, 1-based): chr9:36,246,118, G>A on the plus strand (C>T on the coding strand, the complement: GNE is on the minus strand). VCF-style: chr9-36246118-G-A. GRCh37 (hg19) VCF-style: chr9-36246115-G-A.
Other names: c.622C>T, p.Arg208Cys (NM_001128227.3); c.529C>T, p.Arg177Cys (NM_001190383.3, NM_001374797.1); c.352C>T, p.Arg118Cys (NM_001190384.3, NM_001190388.2, NM_001374798.1); short protein forms R177C, R208C, R118C.
Identifiers: ClinVar variation 553400 (VCV000553400.10), dbSNP rs539332585, ClinGen allele CA5056716.

ClinVar aggregate classification (germline): Pathogenic/Likely pathogenic. Review status: criteria provided, multiple submitters, no conflicts (2 of 4 stars). 7 submissions from 7 submitters: Pathogenic (4); Likely pathogenic (2). 1 of the submissions does not count toward it. Last evaluated 2026-04-16.

Conditions:
Sialuria. Also called: Sialic Acid Storage Disease; SIALURIA, FRENCH TYPE. Identifiers: Orphanet 3166, MedGen C0342853, MONDO:0010028, OMIM 269921.
GNE myopathy (NM). Also called: IBM 2; Inclusion body myopathy autosomal recessive; Inclusion body myopathy quadriceps sparing; NONAKA DISTAL MYOPATHY; INCLUSION BODY MYOPATHY, HEREDITARY, AUTOSOMAL RECESSIVE; INCLUSION BODY MYOPATHY 2, AUTOSOMAL RECESSIVE. Identifiers: Orphanet 602, MedGen C1853926, MONDO:0011603, OMIM 605820.

Allele frequency attached by ClinVar (database versions not stated): TOPMed below 0.00001; gnomAD exomes 0.00001; ExAC 0.00002; 1000 Genomes Project 30x 0.00031; 1000 Genomes Project 0.00040.
gnomAD v4.1: 4 of 1,614,160 alleles (0.00025%); highest among the groups gnomAD compares: African/African-American, 0.0027%; no homozygotes.

Submissions (7):

Women's Health and Genetics/Laboratory Corporation of America, LabCorp
Classification: Pathogenic for GNE myopathy. Last evaluated: 2026-04-16. Review status: criteria provided, single submitter. Criteria: LabCorp Variant Classification Summary - May 2015. Collection method: clinical testing. Allele origin: germline.
Comment: Variant summary: GNE c.622C>T (p.Arg208Cys) results in a non-conservative amino acid change in the encoded protein sequence. Algorithms developed to predict the effect of missense changes on protein structure and function all suggest that this variant is likely to be disruptive. The variant allele was found at a frequency of 1.2e-05 in 251292 control chromosomes (gnomAD). c.622C>T has been observed in multiple individuals affected with GNE myopathy (e.g. Nishino_2002, Cho_2014, Lv_2022, Sun_2024, Molaei_2025). These data indicate that the variant is very likely to be associated with disease. At least one publication reports experimental evidence evaluating an impact on protein function. The most pronounced variant effect results in <20% of normal activity (Noguchi_2004). The following publications have been ascertained in the context of this evaluation (PMID: 12473753, 14707127, 22507750, 35138478, 41315541, 39539755, 24027297). ClinVar contains an entry for this variant (Variation ID: 553400). To our knowledge, this variant has not been reported in individuals with Sialuria. Based on the evidence outlined above, the variant was classified as pathogenic for GNE myopathy.

Natera, Inc.
Classification: Pathogenic for Nonaka myopathy. Last evaluated: 2025-11-17. Review status: criteria provided, single submitter. Criteria: Natera Variant Classification Schema (03/2026). Collection method: clinical testing. Allele origin: germline.
Comment: The c.622C>T variant in GNE is a missense variant predicted to cause substitution of arginine to cysteine at amino acid 208. This variant is rare in the general population with a frequency below the threshold expected for the associated phenotype(s). This variant has been observed in one or more individuals affected with the associated recessive disease, as either homozygous or compound heterozygous with a second variant (PMID: 35138478, 24027297). Additionally, this variant has been observed to segregate in affected family members (PMID: 24027297). Given the available evidence, this variant is classified as Pathogenic.

Labcorp Genetics (formerly Invitae), Labcorp
Classification: Pathogenic for Sialuria; GNE myopathy. Last evaluated: 2024-03-16. Review status: criteria provided, single submitter. Criteria: Invitae Variant Classification Sherloc (09022015). Collection method: clinical testing. Allele origin: germline.
Comment: This sequence change replaces arginine, which is basic and polar, with cysteine, which is neutral and slightly polar, at codon 208 of the GNE protein (p.Arg208Cys). This variant is present in population databases (rs539332585, gnomAD 0.01%). This missense change has been observed in individuals with autosomal recessive distal myopathy (PMID: 12473753, 24027297, 25986339, 35138478). This variant is also known as R177C. ClinVar contains an entry for this variant (Variation ID: 553400). Advanced modeling of protein sequence and biophysical properties (such as structural, functional, and spatial information, amino acid conservation, physicochemical variation, residue mobility, and thermodynamic stability) has been performed at Invitae for this missense variant, however the output from this modeling did not meet the statistical confidence thresholds required to predict the impact of this variant on GNE protein function. Experimental studies have shown that this missense change affects GNE function (PMID: 14707127). For these reasons, this variant has been classified as Pathogenic.

3billion
Classification: Likely pathogenic for GNE myopathy. Last evaluated: 2023-11-13. Review status: criteria provided, single submitter. Criteria: ACMG Guidelines, 2015. Collection method: clinical testing. Allele origin: germline. Affected: yes.
Comment: The variant is observed at an extremely low frequency in the gnomAD v2.1.1 dataset (total allele frequency: 0.001%). Predicted Consequence/Location: Missense variant In silico tool predictions suggest damaging effect of the variant on gene or gene product [REVEL: 0.84 (>=0.6, sensitivity 0.68 and specificity 0.92); 3Cnet: 0.77 (>=0.6, sensitivity 0.72 and precision 0.9)]. Same nucleotide change resulting in same amino acid change has been previously reported to be associated with GNE related disorder (ClinVar ID: VCV000553400 /PMID: 12473753). The variant has been reported to be in trans with a pathogenic variant as either compound heterozygous or homozygous in at least one similarly affected unrelated individual (PMID: 25986339). Therefore, this variant is classified as Likely pathogenic according to the recommendation of ACMG/AMP guideline.

Baylor Genetics
Classification: Pathogenic for GNE myopathy. Last evaluated: 2023-02-05. Review status: criteria provided, single submitter. Criteria: ACMG Guidelines, 2015. Collection method: clinical testing. Allele origin: unknown.

Kariminejad - Najmabadi Pathology & Genetics Center
Classification: Likely pathogenic for GNE myopathy. Last evaluated: 2022-01-01. Review status: criteria provided, single submitter. Criteria: ACMG Guidelines, 2015. Collection method: clinical testing. Allele origin: germline. Inheritance: Autosomal recessive inheritance. Affected: yes.
Comment: PM1,PM2,PP3,PP5

Counsyl
Classification: Likely pathogenic for GNE myopathy. Last evaluated: 2017-08-17. Review status: no assertion criteria provided. Collection method: clinical testing. Allele origin: unknown. Not counted in ClinVar's aggregate classification.

Literature cited by the submitters: PubMed 24027297 (cited by 4 submitters); PubMed 12473753 (cited by 3 submitters); PubMed 14707127 (cited by 3 submitters); PubMed 35138478 (cited by 3 submitters); PubMed 22507750 (cited by Women's Health and Genetics/Laboratory Corporation of America, LabCorp); PubMed 41315541 (cited by Women's Health and Genetics/Laboratory Corporation of America, LabCorp); PubMed 39539755 (cited by Women's Health and Genetics/Laboratory Corporation of America, LabCorp); PubMed 25986339 (cited by 3 submitters).